The following is an entry in ClinVar:

ClinVar aggregate classification (germline): Uncertain significance. Review status: criteria provided, multiple submitters, no conflicts (2 of 4 stars). 2 submissions from 2 submitters: Uncertain significance (2). Last evaluated 2026-01-18.

Allele frequency attached by ClinVar (database versions not stated): ExAC 0.00002; gnomAD 0.00002; TOPMed 0.00002.
gnomAD v4.1: 97 of 1,613,628 alleles (0.006%); highest among the groups gnomAD compares: Non-Finnish European, 0.0076%; no homozygotes.

Submissions (2):

Labcorp Genetics (formerly Invitae), Labcorp
Classification: Uncertain significance. Last evaluated: 2026-01-18. Review status: criteria provided, single submitter. Criteria: Invitae Variant Classification Sherloc (09022015). Collection method: clinical testing. Allele origin: germline.
Comment: This sequence change replaces alanine, which is neutral and non-polar, with serine, which is neutral and polar, at codon 772 of the TOP2B protein (p.Ala772Ser). This variant is present in population databases (rs781633604, gnomAD 0.002%). This variant has not been reported in the literature in individuals affected with TOP2B-related conditions. ClinVar contains an entry for this variant (Variation ID: 2402029). An algorithm developed to predict the effect of missense changes on protein structure and function (PolyPhen-2) suggests that this variant is likely to be disruptive. In summary, the available evidence is currently insufficient to determine the role of this variant in disease. Therefore, it has been classified as a Variant of Uncertain Significance.

Ambry Genetics
Classification: Uncertain significance. Last evaluated: 2025-04-10. Review status: criteria provided, single submitter. Criteria: Ambry Variant Classification Scheme 2023. Collection method: clinical testing. Allele origin: germline.

NM_001330700.2(TOP2B):c.2329G>T (p.Ala777Ser)

Gene: TOP2B (DNA topoisomerase II beta; minus strand). Cytogenetic location: 3p24.2.
Variant type: single nucleotide variant.
Coding change: c.2329G>T on transcript NM_001330700.2 (MANE Select); coding-DNA position 2329, G replaced by T.
Protein change: p.Ala777Ser; replaces alanine 777 with serine.
Molecular consequence: missense variant.
Genome position (GRCh38, 1-based): chr3:25,624,699, C>A on the plus strand (G>T on the coding strand, the complement: TOP2B is on the minus strand). VCF-style: chr3-25624699-C-A. GRCh37 (hg19) VCF-style: chr3-25666190-C-A.
Other names: c.2314G>T, p.Ala772Ser (NM_001068.3); short protein forms A777S, A772S.
Identifiers: ClinVar variation 2402029 (VCV002402029.6), dbSNP rs781633604, ClinGen allele CA2288524.